The following is an entry in ClinVar:

GRCh38/hg38 4p16.3-16.2(chr4:85149-4596207)x3

Genes: LRPAP1 (LDL receptor related protein associated protein 1; minus strand), LYAR (Ly1 antibody reactive; minus strand), MAEA (macrophage erythroblast attacher, E3 ubiquitin ligase; plus strand), MIR4800 (microRNA 4800; minus strand), MIR571 (microRNA 571; plus strand) and 303 more. Cytogenetic location: 4p16.3-16.2.
Variant type: copy number gain.
Change: copy number 3 (three copies instead of two) of chr4:85,149-4,596,207 (4.51 Mb, GRCh38 coordinates, 1-based), cytogenetic band 4p16.3-16.2.
Identifiers: ClinVar variation 58014 (VCV000058014.3).

ClinVar aggregate classification (germline): Pathogenic (1 of 4 stars; one submission).

Submission:

ISCA Site 6
Classification: Pathogenic. Last evaluated: 2011-08-12. Review status: criteria provided, single submitter. Criteria: Kaminsky et al. (Genet Med. 2011). Collection method: clinical testing. Allele origin: unknown. Affected: yes. Observed: 1 variant allele.
Comment: Copy number variation identified through the course of routine clinical cytogenomic testing in postnatal populations. Clinical assertions have been curated as described in Kaminsky et al. 2011.